The following is an entry in ClinVar:

ClinVar aggregate classification (germline): Uncertain significance (1 of 4 stars; one submission).

Conditions:
Familial cancer of breast. Also called: Hereditary breast cancer; hereditary breast carcinoma; BREAST CANCER, FAMILIAL. Identifiers: Orphanet 227535, MedGen C0346153, MONDO:0016419, OMIM 114480. Disease mechanism: loss of function.

Submission:

Labcorp Genetics (formerly Invitae), Labcorp
Classification: Uncertain significance for Familial cancer of breast. Last evaluated: 2024-07-15. Review status: criteria provided, single submitter. Criteria: Invitae Variant Classification Sherloc (09022015). Collection method: clinical testing. Allele origin: germline.
Comment: This sequence change replaces phenylalanine, which is neutral and non-polar, with tyrosine, which is neutral and polar, at codon 115 of the CHEK2 protein (p.Phe115Tyr). This variant is not present in population databases (gnomAD no frequency). This variant has not been reported in the literature in individuals affected with CHEK2-related conditions. An algorithm developed to predict the effect of missense changes on protein structure and function (PolyPhen-2) suggests that this variant is likely to be disruptive. In summary, the available evidence is currently insufficient to determine the role of this variant in disease. Therefore, it has been classified as a Variant of Uncertain Significance.

NM_007194.4(CHEK2):c.344T>A (p.Phe115Tyr)

Gene: CHEK2 (checkpoint kinase 2; minus strand). Cytogenetic location: 22q12.1.
Variant type: single nucleotide variant.
Coding change: c.344T>A on transcript NM_007194.4 (MANE Select); coding-DNA position 344, T replaced by A.
Protein change: p.Phe115Tyr; replaces phenylalanine 115 with tyrosine.
Molecular consequence: missense variant.
Genome position (GRCh38, 1-based): chr22:28,725,343, A>T on the plus strand (T>A on the coding strand, the complement: CHEK2 is on the minus strand). VCF-style: chr22-28725343-A-T. GRCh37 (hg19) VCF-style: chr22-29121331-A-T.
Other names: c.473T>A, p.Phe158Tyr (NM_001005735.3); c.-434T>A (NM_001257387.3); c.344T>A, p.Phe115Tyr (NM_001349956.3, NM_145862.3); short protein forms F115Y, F158Y.
Identifiers: ClinVar variation 3659507 (VCV003659507.2).